The following is an entry in ClinVar:

NM_207361.6(FREM2):c.3691C>T (p.Gln1231Ter)

Gene: FREM2 (FRAS1 related extracellular matrix 2; plus strand). Cytogenetic location: 13q13.3.
Variant type: single nucleotide variant.
Coding change: c.3691C>T on transcript NM_207361.6 (MANE Select); coding-DNA position 3691, C replaced by T.
Protein change: p.Gln1231Ter; replaces glutamine 1231 with a stop codon.
Molecular consequence: nonsense.
Genome position (GRCh38, 1-based): chr13:38,691,035, C>T. VCF-style: chr13-38691035-C-T. GRCh37 (hg19) VCF-style: chr13-39265172-C-T.
Other names: short protein forms Q1231*.
Identifiers: ClinVar variation 2708455 (VCV002708455.3), dbSNP rs2541358709, ClinGen allele CA387891520.

ClinVar aggregate classification (germline): Pathogenic (1 of 4 stars; one submission).

Submission:

Labcorp Genetics (formerly Invitae), Labcorp
Classification: Pathogenic. Last evaluated: 2024-11-04. Review status: criteria provided, single submitter. Criteria: Invitae Variant Classification Sherloc (09022015). Collection method: clinical testing. Allele origin: germline.
Comment: This sequence change creates a premature translational stop signal (p.Gln1231*) in the FREM2 gene. It is expected to result in an absent or disrupted protein product. Loss-of-function variants in FREM2 are known to be pathogenic (PMID: 18203166, 26552811). This variant is not present in population databases (gnomAD no frequency). This variant has not been reported in the literature in individuals affected with FREM2-related conditions. ClinVar contains an entry for this variant (Variation ID: 2708455). For these reasons, this variant has been classified as Pathogenic.

Literature cited by the submitters: PubMed 18203166; PubMed 26552811.